The following is an entry in ClinVar:

ClinVar aggregate classification (germline): Likely pathogenic (1 of 4 stars; one submission).

Conditions:
CFTR-related disorder (CFTR-RD). Also called: CFTR-related disorders; CFTR-related condition. Identifiers: MedGen C5924204, MONDO:7770004.

Submission:

Natera, Inc.
Classification: Likely pathogenic for CFTR-related disorders. Last evaluated: 2026-01-06. Review status: criteria provided, single submitter. Criteria: Natera Variant Classification Schema (03/2026). Collection method: clinical testing. Allele origin: germline.
Comment: The c.751_767del variant in CFTR is a frameshift variant predicted to shift the reading frame and introduce a stop codon. This variant is expected to result in nonsense mediated decay, truncation, or a dysfunctional protein product. This variant is rare in the general population with a frequency below the threshold expected for the associated phenotype(s). Given the available evidence, this variant is classified as Likely Pathogenic.

NM_000492.4(CFTR):c.751_767del (p.Gln250_Arg251insTer)

Gene: CFTR (CF transmembrane conductance regulator; plus strand). Cytogenetic location: 7q31.2.
Variant type: Deletion.
Coding change: c.751_767del on transcript NM_000492.4 (MANE Select); coding-DNA positions 751 to 767, 17 bases deleted (AGAGCTGGGAAGATCAG).
Protein change: p.Gln250_Arg251insTer.
Molecular consequence: nonsense. On other transcripts: frameshift variant (1).
Genome position (GRCh38, 1-based): chr7:117,536,555-117,536,571, AGAGCTGGGAAGATCAG deleted; deleting any 17 consecutive bases within chr7:117,536,548-117,536,571 gives the same sequence; the c. name uses the placement nearest the transcript's 3' end. VCF-style (leftmost placement, unchanged base first): chr7-117536547-GAGATCAGAGAGCTGGGA-G. GRCh37 (hg19) VCF-style: chr7-117176601-GAGATCAGAGAGCTGGGA-G.
Other names: c.751_767del17, p.Arg251Terfs (NM_000492.3).
Identifiers: ClinVar variation 4818576 (VCV004818576.1).